The following is an entry in ClinVar:

NM_001035.3(RYR2):c.12322C>G (p.His4108Asp)

Gene: RYR2 (ryanodine receptor 2; plus strand). Cytogenetic location: 1q43.
Variant type: single nucleotide variant.
Coding change: c.12322C>G on transcript NM_001035.3 (MANE Select); coding-DNA position 12322, C replaced by G.
Protein change: p.His4108Asp; replaces histidine 4108 with aspartic acid.
Molecular consequence: missense variant.
Genome position (GRCh38, 1-based): chr1:237,784,034, C>G. VCF-style: chr1-237784034-C-G. GRCh37 (hg19) VCF-style: chr1-237947334-C-G.
Other names: short protein forms H4108D.
Identifiers: ClinVar variation 863006 (VCV000863006.2), dbSNP rs1250457347, ClinGen allele CA345412962.

ClinVar aggregate classification (germline): Uncertain significance (1 of 4 stars; one submission).

Conditions:
Catecholaminergic polymorphic ventricular tachycardia (CVPT). Also called: Catecholamine-induced polymorphic ventricular tachycardia. Identifiers: Orphanet 3286, MedGen C5574922, MONDO:0017990.

Submission:

Labcorp Genetics (formerly Invitae), Labcorp
Classification: Uncertain significance for Catecholaminergic polymorphic ventricular tachycardia. Last evaluated: 2020-01-13. Review status: criteria provided, single submitter. Criteria: Invitae Variant Classification Sherloc (09022015). Collection method: clinical testing. Allele origin: germline.
Comment: This sequence change replaces histidine with aspartic acid at codon 4108 of the RYR2 protein (p.His4108Asp). The histidine residue is highly conserved and there is a moderate physicochemical difference between histidine and aspartic acid. This variant is not present in population databases (ExAC no frequency). This variant has not been reported in the literature in individuals with RYR2-related conditions. Algorithms developed to predict the effect of missense changes on protein structure and function (SIFT, PolyPhen-2, Align-GVGD) all suggest that this variant is likely to be disruptive, but these predictions have not been confirmed by published functional studies and their clinical significance is uncertain. This variant disrupts the p.His4108 amino acid residue in RYR2. Other variant(s) that disrupt this residue have been determined to be pathogenic (PMID: 16272262, 27733687). This suggests that this residue is clinically significant, and that variants that disrupt this residue are likely to be disease-causing. In summary, the available evidence is currently insufficient to determine the role of this variant in disease. Therefore, it has been classified as a Variant of Uncertain Significance.

Literature cited by the submitters: PubMed 16272262; PubMed 27733687.